The following is an entry in ClinVar:

NM_152564.5(VPS13B):c.1186A>G (p.Lys396Glu)

Gene: VPS13B (vacuolar protein sorting 13 homolog B; plus strand). Cytogenetic location: 8q22.2.
Variant type: single nucleotide variant.
Coding change: c.1186A>G on transcript NM_152564.5 (MANE Select); coding-DNA position 1186, A replaced by G.
Protein change: p.Lys396Glu; replaces lysine 396 with glutamic acid.
Molecular consequence: missense variant. On other transcripts: non-coding transcript variant (1).
Genome position (GRCh38, 1-based): chr8:99,121,425, A>G. VCF-style: chr8-99121425-A-G. GRCh37 (hg19) VCF-style: chr8-100133653-A-G.
Other names: p.Lys396Glu; c.1186A>G, p.Lys396Glu (NM_015243.3, NM_017890.5, NM_181661.3); c.1186A>G (NM_152564.4, NM_017890.4); short protein forms K396E.
Identifiers: ClinVar variation 1445974 (VCV001445974.9), dbSNP rs755937467, ClinGen allele CA4822555.

ClinVar aggregate classification (germline): Conflicting classifications of pathogenicity. Review status: criteria provided, conflicting classifications (1 of 4 stars). 3 submissions from 3 submitters: Uncertain significance (2); Likely benign (1). Last evaluated 2026-04-23.

Conditions:
Cohen syndrome (COH1). Also called: PEPPER SYNDROME; Cutis verticis gyrata, retinitis pigmentosa, and sensorineural deafness. Identifiers: Orphanet 193, MedGen C0265223, MONDO:0008999, OMIM 216550.
VPS13B-related disorder. Also called: VPS13B-related condition.

Allele frequency attached by ClinVar (database versions not stated): gnomAD exomes 0.00002 and 0.00004; ExAC 0.00007; TOPMed 0.00010; gnomAD 0.00013 and 0.00015.
gnomAD v4.1: 52 of 1,614,084 alleles (0.0032%); highest among the groups gnomAD compares: African/African-American, 0.053%; no homozygotes.

Submissions (3):

PreventionGenetics, part of Exact Sciences
Classification: Uncertain significance for VPS13B-related condition. Last evaluated: 2026-04-23. Review status: criteria provided, single submitter. Criteria: ACMG Guidelines, 2015. Collection method: clinical testing. Allele origin: germline.
Comment: The VPS13B c.1186A>G variant is predicted to result in the amino acid substitution p.Lys396Glu. To our knowledge, this variant has not been reported in the literature. This variant is reported in 0.056% of alleles in individuals of African descent in gnomAD. Although we suspect this variant may be benign, at this time, the clinical significance is uncertain due to the absence of conclusive functional and genetic evidence.

Labcorp Genetics (formerly Invitae), Labcorp
Classification: Likely benign for Cohen syndrome. Last evaluated: 2026-01-07. Review status: criteria provided, single submitter. Criteria: Invitae Variant Classification Sherloc (09022015). Collection method: clinical testing. Allele origin: germline.

Mayo Clinic Laboratories, Mayo Clinic
Classification: Uncertain significance. Last evaluated: 2024-06-10. Review status: criteria provided, single submitter. Criteria: ACMG Guidelines, 2015. Collection method: clinical testing. Allele origin: germline. Observed: 1 variant allele.
Comment: BP1